The following is an entry in ClinVar:

NM_001374736.1(DST):c.11903C>T (p.Thr3968Ile)

Gene: DST (dystonin; minus strand). Cytogenetic location: 6p12.1.
Variant type: single nucleotide variant.
Coding change: c.11903C>T on transcript NM_001374736.1 (MANE Select); coding-DNA position 11903, C replaced by T.
Protein change: p.Thr3968Ile; replaces threonine 3968 with isoleucine.
Molecular consequence: missense variant.
Genome position (GRCh38, 1-based): chr6:56,598,501, G>A on the plus strand (C>T on the coding strand, the complement: DST is on the minus strand). VCF-style: chr6-56598501-G-A. GRCh37 (hg19) VCF-style: chr6-56463299-G-A.
Other names: c.5546C>T, p.Thr1849Ile (NM_001144769.5); c.5132C>T, p.Thr1711Ile (NM_001144770.2); c.11903C>T, p.Thr3968Ile (NM_001374722.1); c.11270C>T, p.Thr3757Ile (NM_001374729.1); c.5012C>T, p.Thr1671Ile (NM_001374730.1, NM_001386100.1, NM_183380.4); c.11930C>T, p.Thr3977Ile (NM_001374734.1); c.4034C>T, p.Thr1345Ile (NM_015548.5); c.5546C>T (NM_001144769.2); short protein forms T1345I, T1671I, T1711I, T1849I, T3757I, T3968I, T3977I.
Identifiers: ClinVar variation 1013896 (VCV001013896.9), dbSNP rs2098413772, ClinGen allele CA364528939.
Genomic context (GRCh38, chr6:56,598,501, plus strand): 5'-CATAGCAATAGTGCACCACATATTTGAATAAGGACCTTTTCAGTTTCTTCCTTGATTGCT[G>A]TTGTCACAACTTTATCCAGCTCCTTTTTAGACTGTTCTGCTTTTAAATTAAGCTGTTCAC-3'
Protein context (NP_001361665.1, residues 3958-3978): SKKELDKVVT[Thr3968Ile]AIKEETEKVA

ClinVar aggregate classification (germline): Uncertain significance. Review status: criteria provided, multiple submitters, no conflicts (2 of 4 stars). 2 submissions from 2 submitters: Uncertain significance (2). Last evaluated 2023-05-19.

Conditions:
Hereditary sensory and autonomic neuropathy type 6. Also called: HSAN VI; Neuropathy, hereditary sensory and autonomic, type VI. Identifiers: Orphanet 314381, MedGen C3539003, MONDO:0013839, OMIM 614653.
Epidermolysis bullosa simplex 3, localized or generalized intermediate, with BP230 deficiency (EBS3). Also called: Epidermolysis bullosa simplex, autosomal recessive 2; Epidermolysis bullosa simplex due to BP230 deficiency. Identifiers: Orphanet 412181, MedGen C3809470, MONDO:0014180, OMIM 615425.
Inborn genetic diseases. Identifiers: MedGen C0950123, MeSH D030342.

Allele frequency attached by ClinVar (database versions not stated): gnomAD exomes below 0.00001; TOPMed below 0.00001.
gnomAD v4.1: 2 of 1,575,454 alleles (0.00013%); highest among the groups gnomAD compares: African/African-American, 0.0014%; no homozygotes.

Submissions (2):

Ambry Genetics
Classification: Uncertain significance for Inborn genetic diseases. Last evaluated: 2023-05-19. Review status: criteria provided, single submitter. Criteria: Ambry Variant Classification Scheme 2023. Collection method: clinical testing. Allele origin: germline.

Labcorp Genetics (formerly Invitae), Labcorp
Classification: Uncertain significance for Epidermolysis bullosa simplex 3, localized or generalized intermediate, with BP230 deficiency; Hereditary sensory and autonomic neuropathy type 6. Last evaluated: 2020-03-05. Review status: criteria provided, single submitter. Criteria: Invitae Variant Classification Sherloc (09022015). Collection method: clinical testing. Allele origin: germline.
Comment: In summary, the available evidence is currently insufficient to determine the role of this variant in disease. Therefore, it has been classified as a Variant of Uncertain Significance. Experimental studies and prediction algorithms are not available or were not evaluated, and the functional significance of this variant is currently unknown. This variant has not been reported in the literature in individuals with DST-related conditions. This variant is not present in population databases (ExAC no frequency). This sequence change replaces threonine with isoleucine at codon 1345 of the DST protein (p.Thr1345Ile). The threonine residue is weakly conserved and there is a moderate physicochemical difference between the two amino acids. The DST gene has multiple clinically relevant transcripts. This variant occurs in alternate transcript NM_015548.4, and corresponds to NM_001723.5:c.*17016C>T in the primary transcript.